The following is an entry in ClinVar:

NM_182943.3(PLOD2):c.1120A>G (p.Met374Val)

Gene: PLOD2 (procollagen-lysine,2-oxoglutarate 5-dioxygenase 2; minus strand). Cytogenetic location: 3q24.
Variant type: single nucleotide variant.
Coding change: c.1120A>G on transcript NM_182943.3 (MANE Select); coding-DNA position 1120, A replaced by G.
Protein change: p.Met374Val; replaces methionine 374 with valine.
Molecular consequence: missense variant.
Genome position (GRCh38, 1-based): chr3:146,086,794, T>C on the plus strand (A>G on the coding strand, the complement: PLOD2 is on the minus strand). VCF-style: chr3-146086794-T-C. GRCh37 (hg19) VCF-style: chr3-145804581-T-C.
Other names: c.1120A>G, p.Met374Val (NM_000935.3); c.1120A>G (NM_000935.2); short protein forms M374V.
Identifiers: ClinVar variation 1377183 (VCV001377183.7), dbSNP rs144365999, ClinGen allele CA2655025.

ClinVar aggregate classification (germline): Uncertain significance. Review status: criteria provided, multiple submitters, no conflicts (2 of 4 stars). 2 submissions from 2 submitters: Uncertain significance (2). Last evaluated 2022-07-20.

Conditions:
Inborn genetic diseases. Identifiers: MedGen C0950123, MeSH D030342.

Allele frequency attached by ClinVar (database versions not stated): ExAC 0.00004; ESP Exome Variant Server 0.00008; gnomAD 0.00008 and 0.00009; TOPMed 0.00008.
gnomAD v4.1: 26 of 1,467,238 alleles (0.0018%); highest among the groups gnomAD compares: African/African-American, 0.031%; no homozygotes.

Submissions (2):

Ambry Genetics
Classification: Uncertain significance for Inborn genetic diseases. Last evaluated: 2022-07-20. Review status: criteria provided, single submitter. Criteria: Ambry Variant Classification Scheme 2023. Collection method: clinical testing. Allele origin: germline.

Labcorp Genetics (formerly Invitae), Labcorp
Classification: Uncertain significance. Last evaluated: 2022-02-17. Review status: criteria provided, single submitter. Criteria: Invitae Variant Classification Sherloc (09022015). Collection method: clinical testing. Allele origin: germline.
Comment: This variant has not been reported in the literature in individuals affected with PLOD2-related conditions. In summary, the available evidence is currently insufficient to determine the role of this variant in disease. Therefore, it has been classified as a Variant of Uncertain Significance. Algorithms developed to predict the effect of missense changes on protein structure and function (SIFT, PolyPhen-2, Align-GVGD) all suggest that this variant is likely to be tolerated. This variant is present in population databases (rs144365999, gnomAD 0.02%). This sequence change replaces methionine, which is neutral and non-polar, with valine, which is neutral and non-polar, at codon 374 of the PLOD2 protein (p.Met374Val).